The following is an entry in ClinVar:

ClinVar aggregate classification (germline): Uncertain significance (1 of 4 stars; one submission).

Submission:

Labcorp Genetics (formerly Invitae), Labcorp
Classification: Uncertain significance. Last evaluated: 2024-05-20. Review status: criteria provided, single submitter. Criteria: Invitae Variant Classification Sherloc (09022015). Collection method: clinical testing. Allele origin: germline.
Comment: This variant, c.814_819delinsACAGTCCGTCTA, is a complex sequence change that results in the deletion of 2 and insertion of 4 amino acid(s) in the PDE6A protein (p.Cys272_Asp273delinsThrValArgLeu). This variant is not present in population databases (gnomAD no frequency). This variant has not been reported in the literature in individuals affected with PDE6A-related conditions. ClinVar contains an entry for this variant (Variation ID: 2026697). Experimental studies and prediction algorithms are not available or were not evaluated, and the functional significance of this variant is currently unknown. In summary, the available evidence is currently insufficient to determine the role of this variant in disease. Therefore, it has been classified as a Variant of Uncertain Significance.

NM_000440.3(PDE6A):c.814_819delinsACAGTCCGTCTA (p.Cys272_Asp273delinsThrValArgLeu)

Gene: PDE6A (phosphodiesterase 6A; minus strand). Cytogenetic location: 5q32.
Variant type: Indel.
Coding change: c.814_819delinsACAGTCCGTCTA on transcript NM_000440.3 (MANE Select); coding-DNA positions 814 to 819, TGTGAC replaced by ACAGTCCGTCTA.
Protein change: p.Cys272_Asp273delinsThrValArgLeu.
Molecular consequence: inframe indel.
Genome position (GRCh38, 1-based): chr5:149,931,067-149,931,072, GTCACA replaced by TAGACGGACTGT on the plus strand (TGTGAC replaced by ACAGTCCGTCTA on the coding strand, the reverse complement: PDE6A is on the minus strand). VCF-style: chr5-149931067-GTCACA-TAGACGGACTGT. GRCh37 (hg19) VCF-style: chr5-149310630-GTCACA-TAGACGGACTGT.
Other names: c.571_576delTGTGACinsACAGTCCGTCTA, p.Cys191_Asp192delinsThrValArgLeu (NM_001410788.1).
Identifiers: ClinVar variation 2026697 (VCV002026697.4), dbSNP rs2480676105, ClinGen allele CA2580073841.